The following is an entry in ClinVar:

ClinVar aggregate classification (germline): Uncertain significance (1 of 4 stars; one submission).

Conditions:
Early-infantile DEE. Also called: Ohtahara syndrome; Early infantile epileptic encephalopathy with suppression bursts; Early infantile epileptic encephalopathy. Identifiers: Orphanet 1934, MedGen C0393706, MONDO:0800491.

Allele frequency attached by ClinVar (database versions not stated): gnomAD exomes below 0.00001.
gnomAD v4.1: 2 of 1,614,184 alleles (0.00012%); highest among the groups gnomAD compares: Non-Finnish European, 0.00017%; no homozygotes.

Submission:

Labcorp Genetics (formerly Invitae), Labcorp
Classification: Uncertain significance for Early-infantile DEE. Last evaluated: 2023-12-02. Review status: criteria provided, single submitter. Criteria: Invitae Variant Classification Sherloc (09022015). Collection method: clinical testing. Allele origin: germline.
Comment: This sequence change replaces arginine, which is basic and polar, with glutamine, which is neutral and polar, at codon 19 of the SPTAN1 protein (p.Arg19Gln). This variant is not present in population databases (gnomAD no frequency). This variant has not been reported in the literature in individuals affected with SPTAN1-related conditions. Advanced modeling of protein sequence and biophysical properties (such as structural, functional, and spatial information, amino acid conservation, physicochemical variation, residue mobility, and thermodynamic stability) has been performed at Invitae for this missense variant, however the output from this modeling did not meet the statistical confidence thresholds required to predict the impact of this variant on SPTAN1 protein function. This variant disrupts the p.Arg19 amino acid residue in SPTAN1. Other variant(s) that disrupt this residue have been determined to be pathogenic (PMID: 35150594). This suggests that this residue is clinically significant, and that variants that disrupt this residue are likely to be disease-causing. In summary, the available evidence is currently insufficient to determine the role of this variant in disease. Therefore, it has been classified as a Variant of Uncertain Significance.

Literature cited by the submitters: PubMed 35150594.

NM_001130438.3(SPTAN1):c.56G>A (p.Arg19Gln)

Gene: SPTAN1 (spectrin alpha, non-erythrocytic 1; plus strand). Cytogenetic location: 9q34.11.
Variant type: single nucleotide variant.
Coding change: c.56G>A on transcript NM_001130438.3 (MANE Select); coding-DNA position 56, G replaced by A.
Protein change: p.Arg19Gln; replaces arginine 19 with glutamine.
Molecular consequence: missense variant.
Genome position (GRCh38, 1-based): chr9:128,566,796, G>A. VCF-style: chr9-128566796-G-A. GRCh37 (hg19) VCF-style: chr9-131329075-G-A.
Other names: c.56G>A, p.Arg19Gln (NM_001195532.2, NM_001375313.1, NM_003127.4 and 5 more transcripts); c.92G>A, p.Arg31Gln (NM_001375312.2, NM_001375318.1); short protein forms R31Q, R19Q.
Identifiers: ClinVar variation 2700523 (VCV002700523.3), dbSNP rs2540898572, ClinGen allele CA375049452.